The following is an entry in ClinVar:

NM_152564.5(VPS13B):c.7245A>G (p.Gln2415=)

Gene: VPS13B (vacuolar protein sorting 13 homolog B; plus strand). Cytogenetic location: 8q22.2.
Variant type: single nucleotide variant.
Coding change: c.7245A>G on transcript NM_152564.5 (MANE Select); coding-DNA position 7245, A replaced by G.
Protein change: p.Gln2415=; no amino-acid change (glutamine 2415 retained).
Molecular consequence: synonymous variant.
Genome position (GRCh38, 1-based): chr8:99,766,968, A>G. VCF-style: chr8-99766968-A-G. GRCh37 (hg19) VCF-style: chr8-100779196-A-G.
Other names: c.7320A>G, p.Gln2440= (NM_017890.5); c.7245A>G (NM_152564.4).
Identifiers: ClinVar variation 1593979 (VCV001593979.9), dbSNP rs781046978, ClinGen allele CA4824172.
Genomic context (GRCh38, chr8:99,766,968, plus strand): 5'-AGTATCTTCAGATCTTTGGAGAATTGTCTTGAACAGCAGTCAAAATGGAGCTGATGACCA[A>G]AGGTAATTCATTGAAAGATGATATGGTAGCATTACACTGGGAAACAATGATAAGTCATCT-3'
Protein context (NP_689777.3, residues 2405-2425): LNSSQNGADD[Gln2415=]SSASESGSQS

ClinVar aggregate classification (germline): Likely benign. Review status: criteria provided, single submitter (1 of 4 stars). 2 submissions from 2 submitters: Likely benign (1). 1 of the submissions does not count toward it. Last evaluated 2026-01-09.

Conditions:
VPS13B-related disorder. Also called: VPS13B-related condition.
Cohen syndrome (COH1). Also called: PEPPER SYNDROME; Cutis verticis gyrata, retinitis pigmentosa, and sensorineural deafness. Identifiers: Orphanet 193, MedGen C0265223, MONDO:0008999, OMIM 216550.

Allele frequency attached by ClinVar (database versions not stated): TOPMed below 0.00001; gnomAD 0.00002; gnomAD exomes 0.00002 and 0.00004; ExAC 0.00005.
gnomAD v4.1: 34 of 1,613,438 alleles (0.0021%); highest among the groups gnomAD compares: South Asian, 0.034%; no homozygotes.

Submissions (2):

Labcorp Genetics (formerly Invitae), Labcorp
Classification: Likely benign for Cohen syndrome. Last evaluated: 2026-01-09. Review status: criteria provided, single submitter. Criteria: Invitae Variant Classification Sherloc (09022015). Collection method: clinical testing. Allele origin: germline.

PreventionGenetics, part of Exact Sciences
Classification: Likely benign for VPS13B-related condition. Last evaluated: 2021-08-18. Review status: no assertion criteria provided. Collection method: clinical testing. Allele origin: germline. Not counted in ClinVar's aggregate classification.
Comment: This variant is classified as likely benign based on ACMG/AMP sequence variant interpretation guidelines (Richards et al. 2015 PMID: 25741868, with internal and published modifications).